The following is an entry in ClinVar:

ClinVar aggregate classification (germline): Pathogenic (1 of 4 stars; one submission).

Conditions:
Nemaline myopathy 2 (NEM2). Also called: Nemaline myopathy 2, autosomal recessive. Identifiers: MedGen C1850569, MONDO:0009725, OMIM 256030.

Submission:

Labcorp Genetics (formerly Invitae), Labcorp
Classification: Pathogenic for Nemaline myopathy 2. Last evaluated: 2020-09-07. Review status: criteria provided, single submitter. Criteria: Invitae Variant Classification Sherloc (09022015). Collection method: clinical testing. Allele origin: germline.
Comment: For these reasons, this variant has been classified as Pathogenic. Loss-of-function variants in NEB are known to be pathogenic (PMID: 25205138). This variant has not been reported in the literature in individuals with NEB-related conditions. This variant is not present in population databases (ExAC no frequency). This sequence change creates a premature translational stop signal (p.Ala8209Profs*43) in the NEB gene. It is expected to result in an absent or disrupted protein product.

Literature cited by the submitters: PubMed 25205138.

NM_001164508.2(NEB):c.24517_24518dup (p.Ala8174fs)

Genes: NEB (nebulin; minus strand), RIF1 (replication timing regulatory factor 1; plus strand). Cytogenetic location: 2q23.3.
Variant type: Duplication.
Coding change: c.24517_24518dup on transcript NM_001164508.2 (MANE Select); coding-DNA positions 24517 to 24518, 2 bases duplicated (AC; older notation c.24517_24518dupAC).
Protein change: p.Ala8174fs; shifts the reading frame from alanine 8174.
Molecular consequence: frameshift variant.
Genome position (GRCh38, 1-based): chr2:151,494,222-151,494,223, GT duplicated on the plus strand (AC on the coding strand, the reverse complement: NEB is on the minus strand); duplicating any 2 consecutive bases within chr2:151,494,222-151,494,224 gives the same sequence; the c. name uses the placement nearest the transcript's 3' end. VCF-style (leftmost placement, unchanged base first): chr2-151494221-G-GGT. GRCh37 (hg19) VCF-style: chr2-152350735-G-GGT.
Other names: c.24517_24518dup, p.Ala8174fs (NM_001164507.2); c.24622_24623dup, p.Ala8209fs (NM_001271208.2); c.18949_18950dup, p.Ala6318fs (NM_004543.5); short protein forms A6318fs, A8174fs, A8209fs.
Identifiers: ClinVar variation 1076430 (VCV001076430.7), dbSNP rs2152876293, ClinGen allele CA2499214992.
Genomic context (GRCh38, chr2:151,494,221, plus strand): 5'-CGAGCTAATGTTTTCTTGATTGCGTTTGACTCTCTGCATCTCAGGAGTGACAGGGGTTGC[G>GGT]GTGGCTTTCCCCACATTTTCTTTGTACAAAACCTATGGGAATCCAATGGGTCCAAAAAGC-3'